The following is an entry in ClinVar:

ClinVar aggregate classification (germline): Likely benign (1 of 4 stars; one submission).

gnomAD v4.1: 5 of 1,614,030 alleles (0.00031%); highest among the groups gnomAD compares: Non-Finnish European, 0.00042%; no homozygotes.

Submission:

CeGaT Center for Human Genetics Tuebingen
Classification: Likely benign. Last evaluated: 2025-08-01. Review status: criteria provided, single submitter. Criteria: CeGaT Center For Human Genetics Tuebingen Variant Classification Criteria Version 2. Collection method: clinical testing. Allele origin: germline. Affected: yes. Observed: 1 variant allele.
Comment: PTCH2: BP4, BP7

NM_003738.5(PTCH2):c.3504C>T (p.Pro1168=)

Gene: PTCH2 (patched 2; minus strand). Cytogenetic location: 1p34.1.
Variant type: single nucleotide variant.
Coding change: c.3504C>T on transcript NM_003738.5 (MANE Select); coding-DNA position 3504, C replaced by T.
Protein change: p.Pro1168=; no amino-acid change (proline 1168 retained).
Molecular consequence: synonymous variant. On other transcripts: intron variant (1).
Genome position (GRCh38, 1-based): chr1:44,822,523, G>A on the plus strand (C>T on the coding strand, the complement: PTCH2 is on the minus strand). VCF-style: chr1-44822523-G-A. GRCh37 (hg19) VCF-style: chr1-45288195-G-A.
Other names: c.3425+79C>T (NM_001166292.2).
Identifiers: ClinVar variation 4084527 (VCV004084527.8).
Genomic context (GRCh38, chr1:44,822,523, plus strand): 5'-AGTGGCAGCAGGGGACCAAGGGGGCTCATCAGGGGCTGGATGGATGTAGGCACCAGGCAG[G>A]GGGGGTGGGTGGATGGCCACGGTCATGGAGGTAGTCACTCTGGCAAAGCTCTGGGGCAGG-3'
Protein context (NP_003729.3, residues 1158-1178): TSMTVAIHPP[Pro1168=]LPGAYIHPAP